The following is an entry in ClinVar:

ClinVar aggregate classification (germline): Uncertain significance (1 of 4 stars; one submission).

Submission:

Labcorp Genetics (formerly Invitae), Labcorp
Classification: Uncertain significance. Last evaluated: 2025-07-31. Review status: criteria provided, single submitter. Criteria: Invitae Variant Classification Sherloc (09022015). Collection method: clinical testing. Allele origin: germline.
Comment: This sequence change replaces glycine, which is neutral and non-polar, with arginine, which is basic and polar, at codon 2 of the ATF6 protein (p.Gly2Arg). This variant is not present in population databases (gnomAD no frequency). This variant has not been reported in the literature in individuals affected with ATF6-related conditions. ClinVar contains an entry for this variant (Variation ID: 1714822). An algorithm developed to predict the effect of missense changes on protein structure and function outputs the following: PolyPhen-2: "Benign". The arginine amino acid residue is found in multiple mammalian species, which suggests that this missense change does not adversely affect protein function. In summary, the available evidence is currently insufficient to determine the role of this variant in disease. Therefore, it has been classified as a Variant of Uncertain Significance.

NM_007348.4(ATF6):c.4G>C (p.Gly2Arg)

Gene: ATF6 (activating transcription factor 6; plus strand). Cytogenetic location: 1q23.3.
Variant type: single nucleotide variant.
Coding change: c.4G>C on transcript NM_007348.4 (MANE Select); coding-DNA position 4, G replaced by C.
Protein change: p.Gly2Arg; replaces glycine 2 with arginine.
Molecular consequence: missense variant.
Genome position (GRCh38, 1-based): chr1:161,766,364, G>C. VCF-style: chr1-161766364-G-C. GRCh37 (hg19) VCF-style: chr1-161736154-G-C.
Other names: c.4G>C, p.Gly2Arg (NM_001410890.1); short protein forms G2R.
Identifiers: ClinVar variation 1714822 (VCV001714822.5), dbSNP rs867568743, ClinGen allele CA31713949.